The following is an entry in ClinVar:

NM_000256.3(MYBPC3):c.752A>T (p.Asn251Ile)

Gene: MYBPC3 (myosin binding protein C3; minus strand). Cytogenetic location: 11p11.2.
Variant type: single nucleotide variant.
Coding change: c.752A>T on transcript NM_000256.3 (MANE Select); coding-DNA position 752, A replaced by T.
Protein change: p.Asn251Ile; replaces asparagine 251 with isoleucine.
Molecular consequence: missense variant.
Genome position (GRCh38, 1-based): chr11:47,348,444, T>A on the plus strand (A>T on the coding strand, the complement: MYBPC3 is on the minus strand). VCF-style: chr11-47348444-T-A. GRCh37 (hg19) VCF-style: chr11-47369995-T-A.
Other names: c.752A>T, p.Asn251Ile (LRG_386t1); short protein forms N251I.
Identifiers: ClinVar variation 518990 (VCV000518990.21), dbSNP rs368588523, ClinGen allele CA056634.

ClinVar aggregate classification (germline): Uncertain significance. Review status: criteria provided, multiple submitters, no conflicts (2 of 4 stars). 7 submissions from 7 submitters: Uncertain significance (6). 1 of the submissions does not count toward it. Last evaluated 2026-02-05.

Conditions:
Cardiomyopathy (CMYO). Also called: Cardiomyopathies. Identifiers: Orphanet 167848, MedGen C0878544, MONDO:0004994, HP:0001638. Inheritance: Various modes of inheritance.
MYBPC3-related disorder. Also called: MYBPC3-related condition; MYBPC3-related disease; MYBPC3-related disorders.
Cardiovascular phenotype. Identifiers: MedGen CN230736.
Hypertrophic cardiomyopathy. Also called: HYPERTROPHIC MYOCARDIOPATHY. Identifiers: Orphanet 217569, MedGen C0007194, MeSH D002312, MONDO:0005045, HP:0001639.

Allele frequency attached by ClinVar (database versions not stated): ESP Exome Variant Server 0.00008; gnomAD 0.00006 and 0.00005; ExAC 0.00005; TOPMed 0.00006.
gnomAD v4.1: 17 of 1,612,538 alleles (0.0011%); highest among the groups gnomAD compares: African/African-American, 0.019%; no homozygotes.

Submissions (7):

Dasa
Classification: Uncertain significance. Last evaluated: 2026-02-05. Review status: criteria provided, single submitter. Criteria: DASA Assertion Criteria. Collection method: clinical testing. Allele origin: germline.
Comment: NM_000256.3(MYBPC3):c.752A>T (p.Asn251Ile) is a missense variant that results in the substitution of asparagine with isoleucine. The affected residue or protein region has prior evidence supporting clinical relevance. This variant is rare in population databases. The currently available literature and clinical evidence are not sufficient to establish a definitive association between this variant and the reported condition. Therefore, this variant is classified as a variant of uncertain significance.

Labcorp Genetics (formerly Invitae), Labcorp
Classification: Uncertain significance for Hypertrophic cardiomyopathy. Last evaluated: 2026-01-20. Review status: criteria provided, single submitter. Criteria: Invitae Variant Classification Sherloc (09022015). Collection method: clinical testing. Allele origin: germline.
Comment: This sequence change replaces asparagine, which is neutral and polar, with isoleucine, which is neutral and non-polar, at codon 251 of the MYBPC3 protein (p.Asn251Ile). This variant is present in population databases (rs368588523, gnomAD 0.03%). This variant has not been reported in the literature in individuals affected with MYBPC3-related conditions. ClinVar contains an entry for this variant (Variation ID: 518990). An algorithm developed to predict the effect of missense changes on protein structure and function (PolyPhen-2) suggests that this variant is likely to be disruptive. In summary, the available evidence is currently insufficient to determine the role of this variant in disease. Therefore, it has been classified as a Variant of Uncertain Significance.

All of Us Research Program, National Institutes of Health
Classification: Uncertain significance for Hypertrophic cardiomyopathy. Last evaluated: 2024-09-23. Review status: criteria provided, single submitter. Criteria: ACMG Guidelines, 2015. Collection method: clinical testing. Allele origin: germline. Inheritance: Autosomal dominant inheritance. Observed: 10 variant alleles, 10 heterozygotes.
Comment: This missense variant replaces asparagine with isoleucine at codon 251 of the MYBPC3 protein. Computational prediction suggests that this variant may not impact protein structure and function (internally defined REVEL score threshold <= 0.5, PMID: 27666373). To our knowledge, functional studies have not been reported for this variant. This variant has not been reported in individuals affected with MYBPC3-related disorders in the literature. This variant has been identified in 7/277972 chromosomes in the general population by the Genome Aggregation Database (gnomAD). The available evidence is insufficient to determine the role of this variant in disease conclusively. Therefore, this variant is classified as a Variant of Uncertain Significance.

This study involves interpretation of variants in research participants for the purpose of population health screening. Participant phenotype was not available at the time of variant classification. Additional details can be found in publication PMID: 35346344, PMCID: PMC8962531

Color Diagnostics, LLC DBA Color Health
Classification: Uncertain significance for Cardiomyopathy. Last evaluated: 2024-05-20. Review status: criteria provided, single submitter. Criteria: ACMG Guidelines, 2015. Collection method: clinical testing. Allele origin: germline.
Comment: This missense variant replaces asparagine with isoleucine at codon 251 of the MYBPC3 protein. Computational prediction tools indicate that this variant's impact on protein structure and function is inconclusive. To our knowledge, functional studies have not been reported for this variant. This variant has not been reported in individuals affected with MYBPC3-related disorders in the literature. This variant has been identified in 7/277972 chromosomes in the general population by the Genome Aggregation Database (gnomAD). The available evidence is insufficient to determine the role of this variant in disease conclusively. Therefore, this variant is classified as a Variant of Uncertain Significance.

Ambry Genetics
Classification: Uncertain significance for Cardiovascular phenotype. Last evaluated: 2024-05-03. Review status: criteria provided, single submitter. Criteria: Ambry Variant Classification Scheme 2023. Collection method: clinical testing. Allele origin: germline.
Comment: The p.N251I variant (also known as c.752A>T), located in coding exon 6 of the MYBPC3 gene, results from an A to T substitution at nucleotide position 752. The asparagine at codon 251 is replaced by isoleucine, an amino acid with dissimilar properties. This alteration was detected in an individual from the Jackson Heart Study cohort (Bick AG. Am J Hum Genet. 2012;91(3):513-9). This amino acid position is highly conserved in available vertebrate species. In addition, the in silico prediction for this alteration is inconclusive. Since supporting evidence is limited at this time, the clinical significance of this alteration remains unclear.

GeneDx
Classification: Uncertain significance. Last evaluated: 2018-10-25. Review status: criteria provided, single submitter. Criteria: GeneDx Variant Classification Process June 2021. Collection method: clinical testing. Allele origin: germline. Affected: yes.
Comment: Reported in two unrelated individuals from the Jackson Heart Study who did not meet criteria for a diagnosis of HCM (Bick et al., 2012); In silico analysis, which includes protein predictors and evolutionary conservation, supports a deleterious effect; This variant is associated with the following publications: (PMID: 22958901)

PreventionGenetics, part of Exact Sciences
Classification: Uncertain significance for MYBPC3-related condition. Last evaluated: 2024-08-19. Review status: no assertion criteria provided. Collection method: clinical testing. Allele origin: germline. Not counted in ClinVar's aggregate classification.
Comment: The MYBPC3 c.752A>T variant is predicted to result in the amino acid substitution p.Asn251Ile. This variant has been documented in two patients from the Jackson Heart Study; however, further clinical or functional data was not provided to assess the pathogenicity of this variant (Table S3 in Bick et al. 2012. PubMed ID: 22958901). This variant is reported in 0.029% of alleles in individuals of African descent in gnomAD. At this time, the clinical significance of this variant is uncertain due to the absence of conclusive functional and genetic evidence.

Literature cited by the submitters: PubMed 22958901 (cited by Ambry Genetics).